The following is an entry in ClinVar:

NM_015557.3(CHD5):c.480C>T (p.Asn160=)

Gene: CHD5 (chromodomain helicase DNA binding protein 5; minus strand). Cytogenetic location: 1p36.31.
Variant type: single nucleotide variant.
Coding change: c.480C>T on transcript NM_015557.3 (MANE Select); coding-DNA position 480, C replaced by T.
Protein change: p.Asn160=; no amino-acid change (asparagine 160 retained).
Molecular consequence: synonymous variant.
Genome position (GRCh38, 1-based): chr1:6,155,625, G>A on the plus strand (C>T on the coding strand, the complement: CHD5 is on the minus strand). VCF-style: chr1-6155625-G-A. GRCh37 (hg19) VCF-style: chr1-6215685-G-A.
Identifiers: ClinVar variation 4874897 (VCV004874897.2).

ClinVar aggregate classification (germline): Likely benign (1 of 4 stars; one submission).

gnomAD v4.1: 1 of 1,614,144 alleles (0.000062%); highest among the groups gnomAD compares: Non-Finnish European, 0.000085%; no homozygotes.

Submission:

CeGaT Center for Human Genetics Tuebingen
Classification: Likely benign. Last evaluated: 2026-05-01. Review status: criteria provided, single submitter. Criteria: CeGaT Center For Human Genetics Tuebingen Variant Classification Criteria Version 2. Collection method: clinical testing. Allele origin: germline. Affected: yes. Observed: 1 variant allele.
Comment: CHD5: BP4, BP7